The following is an entry in ClinVar:

ClinVar aggregate classification (germline): Benign/Likely benign. Review status: criteria provided, multiple submitters, no conflicts (2 of 4 stars). 6 submissions from 6 submitters: Benign (1); Likely benign (4). 1 of the submissions does not count toward it. Last evaluated 2025-12-30.

Conditions:
TBC1D20-related disorder. Also called: TBC1D20-related condition.

Allele frequency attached by ClinVar (database versions not stated): gnomAD exomes 0.00019 and 0.00041; ExAC 0.00054; ESP Exome Variant Server 0.00146; gnomAD 0.00176 and 0.00190; 1000 Genomes Project 0.00180; TOPMed 0.00184; 1000 Genomes Project 30x 0.00203.
gnomAD v4.1: 552 of 1,614,266 alleles (0.034%); highest among the groups gnomAD compares: African/African-American, 0.64%; 2 homozygotes.

Submissions (6):

Labcorp Genetics (formerly Invitae), Labcorp
Classification: Benign. Last evaluated: 2025-12-30. Review status: criteria provided, single submitter. Criteria: Invitae Variant Classification Sherloc (09022015). Collection method: clinical testing. Allele origin: germline.

Blueprint Genetics
Classification: Likely benign. Last evaluated: 2024-07-09. Review status: criteria provided, single submitter. Criteria: ACMG Guidelines, 2015. Collection method: clinical testing. Allele origin: germline.

GeneDx
Classification: Likely benign. Last evaluated: 2021-06-10. Review status: criteria provided, single submitter. Criteria: GeneDx Variant Classification Process June 2021. Collection method: clinical testing. Allele origin: germline. Affected: yes.

Genetic Services Laboratory, University of Chicago
Classification: Likely benign. Last evaluated: 2016-01-08. Review status: criteria provided, single submitter. Criteria: ACMG Guidelines, 2015. Collection method: clinical testing. Allele origin: germline. Affected: no.

Breakthrough Genomics
Classification: Likely benign. Review status: criteria provided, single submitter. Criteria: ACMG Guidelines, 2015. Collection method: not provided. Allele origin: germline. Inheritance: Autosomal recessive inheritance. Affected: yes.

PreventionGenetics, part of Exact Sciences
Classification: Likely benign for TBC1D20-related condition. Last evaluated: 2024-09-14. Review status: no assertion criteria provided. Collection method: clinical testing. Allele origin: germline. Not counted in ClinVar's aggregate classification.
Comment: This variant is classified as likely benign based on ACMG/AMP sequence variant interpretation guidelines (Richards et al. 2015 PMID: 25741868, with internal and published modifications).

NM_144628.4(TBC1D20):c.1005G>A (p.Gln335=)

Gene: TBC1D20 (TBC1 domain family member 20; minus strand). Cytogenetic location: 20p13.
Variant type: single nucleotide variant.
Coding change: c.1005G>A on transcript NM_144628.4 (MANE Select); coding-DNA position 1005, G replaced by A.
Protein change: p.Gln335=; no amino-acid change (glutamine 335 retained).
Molecular consequence: synonymous variant. On other transcripts: non-coding transcript variant (1).
Genome position (GRCh38, 1-based): chr20:438,793, C>T on the plus strand (G>A on the coding strand, the complement: TBC1D20 is on the minus strand). VCF-style: chr20-438793-C-T. GRCh37 (hg19) VCF-style: chr20-419437-C-T.
Identifiers: ClinVar variation 436943 (VCV000436943.17), dbSNP rs35306023, ClinGen allele CA9723472.